The following is an entry in ClinVar:

NM_000719.7(CACNA1C):c.1114-409C>T

Gene: CACNA1C (calcium voltage-gated channel subunit alpha1 C; plus strand). Cytogenetic location: 12p13.33.
Variant type: single nucleotide variant.
Coding change: c.1114-409C>T on transcript NM_000719.7 (MANE Select); 409 bases into the intron before coding-DNA position 1114, C replaced by T.
Molecular consequence: intron variant.
Genome position (GRCh38, 1-based): chr12:2,504,433, C>T. VCF-style: chr12-2504433-C-T. GRCh37 (hg19) VCF-style: chr12-2613599-C-T.
Other names: c.1114-3C>T (NM_001167624.3, NM_001167623.2, NM_001167625.2 and 1 more transcripts); c.1114-409C>T (NM_199460.4, NM_001129827.2, NM_001129832.2 and 14 more transcripts); c.1105-409C>T (NM_001129844.2).
Identifiers: ClinVar variation 4994782 (VCV004994782.1).

ClinVar aggregate classification (germline): Uncertain significance (1 of 4 stars; one submission).

Conditions:
CACNA1C-related disorder. Also called: CACNA1C-related condition; CACNA1C-related disorders. Identifiers: MedGen CN381092, MONDO:0700321.

Submission:

PreventionGenetics, part of Exact Sciences
Classification: Uncertain significance for CACNA1C-related condition. Last evaluated: 2025-11-05. Review status: criteria provided, single submitter. Criteria: ACMG Guidelines, 2015. Collection method: clinical testing. Allele origin: germline.
Comment: The CACNA1C c.1114-3C>T variant is predicted to interfere with splicing. This variant is also described as c.1114-409C>T in the NM_000719.2 transcript. To our knowledge, this variant has not been reported in the literature or in a large population database (gnomAD), indicating this variant is rare. At this time, the clinical significance of this variant is uncertain due to the absence of conclusive functional and genetic evidence.